The following is an entry in ClinVar:

ClinVar aggregate classification (germline): Uncertain significance (1 of 4 stars; one submission).

Conditions:
Intellectual developmental disorder, autosomal dominant 1. Also called: Intellectual disability, autosomal dominant 1; MBD5 Haploinsufficiency. Identifiers: Orphanet 228402, MedGen C1969562, MONDO:0007974, OMIM 156200.

Submission:

Labcorp Genetics (formerly Invitae), Labcorp
Classification: Uncertain significance for Intellectual developmental disorder, autosomal dominant 1. Last evaluated: 2019-12-15. Review status: criteria provided, single submitter. Criteria: Invitae Variant Classification Sherloc (09022015). Collection method: clinical testing. Allele origin: germline.
Comment: In summary, the available evidence is currently insufficient to determine the role of this variant in disease. Therefore, it has been classified as a Variant of Uncertain Significance. Algorithms developed to predict the effect of missense changes on protein structure and function are either unavailable or do not agree on the potential impact of this missense change (SIFT: "Deleterious"; PolyPhen-2: "Benign"; Align-GVGD: "Class C55"). This variant has not been reported in the literature in individuals with MBD5-related conditions. This variant is not present in population databases (ExAC no frequency). This sequence change replaces threonine with alanine at codon 132 of the MBD5 protein (p.Thr132Ala). The threonine residue is highly conserved and there is a small physicochemical difference between threonine and alanine.

NM_001378120.1(MBD5):c.394A>G (p.Thr132Ala)

Gene: MBD5 (methyl-CpG binding domain protein 5; plus strand). Cytogenetic location: 2q23.1.
Variant type: single nucleotide variant.
Coding change: c.394A>G on transcript NM_001378120.1 (MANE Select); coding-DNA position 394, A replaced by G.
Protein change: p.Thr132Ala; replaces threonine 132 with alanine.
Molecular consequence: missense variant.
Genome position (GRCh38, 1-based): chr2:148,463,916, A>G. VCF-style: chr2-148463916-A-G. GRCh37 (hg19) VCF-style: chr2-149221485-A-G.
Other names: c.394A>G, p.Thr132Ala (NM_018328.5); short protein forms T132A.
Identifiers: ClinVar variation 847428 (VCV000847428.11), dbSNP rs1707177360, ClinGen allele CA348716693.